The following is an entry in ClinVar:

NM_001349206.2(LPIN1):c.957+6_957+7del

Genes: LPIN1 (lipin 1; plus strand), LOC126806147 (CDK7 strongly-dependent group 2 enhancer GRCh37_chr2:11919054-11920253; plus strand). Cytogenetic location: 2p25.1.
Variant type: Microsatellite.
Coding change: c.957+6_957+7del on transcript NM_001349206.2 (MANE Select); bases 6 to 7 of the intron after coding-DNA position 957, 2 bases deleted (AG; older notation c.957+6_957+7delAG).
Molecular consequence: intron variant.
Genome position (GRCh38, 1-based): chr2:11,779,651-11,779,652, AG deleted; deleting any 2 consecutive bases within chr2:11,779,648-11,779,652 gives the same sequence; the c. name uses the placement nearest the transcript's 3' end. VCF-style (leftmost placement, unchanged base first): chr2-11779647-TGA-T. GRCh37 (hg19) VCF-style: chr2-11919773-TGA-T.
Other names: c.1104+6_1104+7del (NM_001261428.3); c.996+6_996+7del (NM_001349208.2); c.1047+6_1047+7del (NM_001349207.2); c.867+6_867+7del (NM_001261427.3); c.957+6_957+7del (NM_001349204.2, NM_001349205.2); c.954+6_954+7del (NM_001349202.2, NM_001349203.2); c.849+6_849+7del (NM_001349200.2, NM_001349199.2, NM_001349201.2 and 1 more transcripts).
Identifiers: ClinVar variation 1723557 (VCV001723557.2), dbSNP rs2546118550, ClinGen allele CA2580611251.

ClinVar aggregate classification (germline): Uncertain significance (1 of 4 stars; one submission).

Submission:

GeneDx
Classification: Uncertain significance. Last evaluated: 2022-05-13. Review status: criteria provided, single submitter. Criteria: GeneDx Variant Classification Process June 2021. Collection method: clinical testing. Allele origin: germline. Affected: yes.
Comment: Not observed at significant frequency in large population cohorts (gnomAD); In silico analysis supports that this variant does not alter splicing; Has not been previously published as pathogenic or benign to our knowledge